The following is an entry in ClinVar:

NM_001287.6(CLCN7):c.1006T>C (p.Phe336Leu)

Gene: CLCN7 (chloride voltage-gated channel 7; minus strand). Cytogenetic location: 16p13.3.
Variant type: single nucleotide variant.
Coding change: c.1006T>C on transcript NM_001287.6 (MANE Select); coding-DNA position 1006, T replaced by C.
Protein change: p.Phe336Leu; replaces phenylalanine 336 with leucine.
Molecular consequence: missense variant.
Genome position (GRCh38, 1-based): chr16:1,455,226, A>G on the plus strand (T>C on the coding strand, the complement: CLCN7 is on the minus strand). VCF-style: chr16-1455226-A-G. GRCh37 (hg19) VCF-style: chr16-1505227-A-G.
Other names: c.934T>C, p.Phe312Leu (NM_001114331.3); short protein forms F312L, F336L.
Identifiers: ClinVar variation 1505506 (VCV001505506.8), dbSNP rs2038816047, ClinGen allele CA394189875.

ClinVar aggregate classification (germline): Uncertain significance (1 of 4 stars; one submission).

Submission:

Labcorp Genetics (formerly Invitae), Labcorp
Classification: Uncertain significance. Last evaluated: 2021-01-29. Review status: criteria provided, single submitter. Criteria: Invitae Variant Classification Sherloc (09022015). Collection method: clinical testing. Allele origin: germline.
Comment: In summary, the available evidence is currently insufficient to determine the role of this variant in disease. Therefore, it has been classified as a Variant of Uncertain Significance. Algorithms developed to predict the effect of missense changes on protein structure and function (SIFT, PolyPhen-2, Align-GVGD) all suggest that this variant is likely to be tolerated, but these predictions have not been confirmed by published functional studies and their clinical significance is uncertain. This variant has not been reported in the literature in individuals with CLCN7-related conditions. This variant is not present in population databases (ExAC no frequency). This sequence change replaces phenylalanine with leucine at codon 336 of the CLCN7 protein (p.Phe336Leu). The phenylalanine residue is highly conserved and there is a small physicochemical difference between phenylalanine and leucine.